The following is an entry in ClinVar:

ClinVar aggregate classification (germline): Uncertain significance. Review status: criteria provided, multiple submitters, no conflicts (2 of 4 stars). 2 submissions from 2 submitters: Uncertain significance (2). Last evaluated 2024-06-04.

Allele frequency attached by ClinVar (database versions not stated): TOPMed 0.00002; gnomAD 0.00004; ExAC 0.00006; 1000 Genomes Project 30x 0.00016; 1000 Genomes Project 0.00020.
gnomAD v4.1: 35 of 1,548,292 alleles (0.0023%); highest among the groups gnomAD compares: Middle Eastern, 0.023%; no homozygotes.

Submissions (2):

Ambry Genetics
Classification: Uncertain significance. Last evaluated: 2024-06-04. Review status: criteria provided, single submitter. Criteria: Ambry Variant Classification Scheme 2023. Collection method: clinical testing. Allele origin: germline.

Labcorp Genetics (formerly Invitae), Labcorp
Classification: Uncertain significance. Last evaluated: 2022-05-05. Review status: criteria provided, single submitter. Criteria: Invitae Variant Classification Sherloc (09022015). Collection method: clinical testing. Allele origin: germline.
Comment: This sequence change replaces alanine, which is neutral and non-polar, with valine, which is neutral and non-polar, at codon 903 of the CTDP1 protein (p.Ala903Val). This variant is present in population databases (rs565342434, gnomAD 0.03%). This variant has not been reported in the literature in individuals affected with CTDP1-related conditions. Algorithms developed to predict the effect of missense changes on protein structure and function (SIFT, PolyPhen-2, Align-GVGD) all suggest that this variant is likely to be tolerated. In summary, the available evidence is currently insufficient to determine the role of this variant in disease. Therefore, it has been classified as a Variant of Uncertain Significance.

NM_004715.5(CTDP1):c.2708C>T (p.Ala903Val)

Gene: CTDP1 (CTD phosphatase subunit 1; plus strand). Cytogenetic location: 18q23.
Variant type: single nucleotide variant.
Coding change: c.2708C>T on transcript NM_004715.5 (MANE Select); coding-DNA position 2708, C replaced by T.
Protein change: p.Ala903Val; replaces alanine 903 with valine.
Molecular consequence: missense variant. On other transcripts: intron variant (1).
Genome position (GRCh38, 1-based): chr18:79,736,482, C>T. VCF-style: chr18-79736482-C-T. GRCh37 (hg19) VCF-style: chr18-77496482-C-T.
Other names: c.2351C>T, p.Ala784Val (NM_001202504.1); c.2545C>T, p.Arg849Cys (NM_048368.4); c.2580+7413C>T (NM_001318511.2); short protein forms A903V, R849C, A784V.
Identifiers: ClinVar variation 2082837 (VCV002082837.2), dbSNP rs565342434, ClinGen allele CA9010679.